The following is an entry in ClinVar:

NM_001042424.3(NSD2):c.2138-75T>C

Gene: NSD2 (nuclear receptor binding SET domain protein 2; plus strand). Cytogenetic location: 4p16.3.
Variant type: single nucleotide variant.
Coding change: c.2138-75T>C on transcript NM_001042424.3 (MANE Select); 75 bases into the intron before coding-DNA position 2138, T replaced by C.
Molecular consequence: intron variant.
Genome position (GRCh38, 1-based): chr4:1,953,249, T>C. VCF-style: chr4-1953249-T-C. GRCh37 (hg19) VCF-style: chr4-1954976-T-C.
Other names: c.2138-75T>C (NM_001440892.1, NM_001440894.1, NM_001440895.1 and 3 more transcripts); c.2237-75T>C (NM_001440893.1); c.1169-75T>C (NM_001440900.1, NM_001440899.1); c.2137+1018T>C (NM_001440896.1); c.1931-75T>C (NM_001440897.1, NM_001440898.1).
Identifiers: ClinVar variation 4822454 (VCV004822454.4).

ClinVar aggregate classification (germline): Uncertain significance (1 of 4 stars; one submission).

Submission:

CeGaT Center for Human Genetics Tuebingen
Classification: Uncertain significance. Last evaluated: 2026-03-01. Review status: criteria provided, single submitter. Criteria: CeGaT Center For Human Genetics Tuebingen Variant Classification Criteria Version 2. Collection method: clinical testing. Allele origin: germline. Affected: yes. Observed: 1 variant allele.
Comment: NSD2: PM2, PP3